The following is an entry in ClinVar:

ClinVar aggregate classification (germline): Likely pathogenic (1 of 4 stars; one submission).

Conditions:
Stickler syndrome type 2 (STL2). Also called: STICKLER SYNDROME, TYPE II; STICKLER SYNDROME, BEADED VITREOUS TYPE; STICKLER SYNDROME, VITREOUS TYPE 2; COL11A1-Related Stickler Syndrome. Identifiers: Orphanet 828, Orphanet 90654, MedGen C1858084, MONDO:0011493, OMIM 604841.

Submission:

Johns Hopkins Genomics, Johns Hopkins University
Classification: Likely pathogenic for Stickler syndrome type 2. Last evaluated: 2024-10-07. Review status: criteria provided, single submitter. Criteria: ACMG Guidelines, 2015. Collection method: clinical testing. Allele origin: germline.
Comment: This COL1A1 missense variant is absent from a large population dataset and has not been reported in ClinVar, nor the literature, to our knowledge. This substitution impacts a glycine in the triple helical domain of the pro-alpha chain. We consider c.1786G>A in COL1A1 to be likely pathogenic.

Literature cited by the submitters: PubMed 20301472.

NM_000088.4(COL1A1):c.1786G>A (p.Gly596Arg)

Gene: COL1A1 (collagen type I alpha 1 chain; minus strand). Cytogenetic location: 17q21.33.
Variant type: single nucleotide variant.
Coding change: c.1786G>A on transcript NM_000088.4 (MANE Select); coding-DNA position 1786, G replaced by A.
Protein change: p.Gly596Arg; replaces glycine 596 with arginine.
Molecular consequence: missense variant.
Genome position (GRCh38, 1-based): chr17:50,193,029, C>T on the plus strand (G>A on the coding strand, the complement: COL1A1 is on the minus strand). VCF-style: chr17-50193029-C-T. GRCh37 (hg19) VCF-style: chr17-48270390-C-T.
Other names: short protein forms G596R.
Identifiers: ClinVar variation 4280079 (VCV004280079.1).